The following is an entry in ClinVar:

NM_001110556.2(FLNA):c.1591_1593del (p.Lys531del)

Gene: FLNA (filamin A; minus strand). Cytogenetic location: Xq28.
Variant type: Deletion.
Coding change: c.1591_1593del on transcript NM_001110556.2 (MANE Select); coding-DNA positions 1591 to 1593, 3 bases deleted (AAG; older notation c.1591_1593delAAG).
Protein change: p.Lys531del; deletes lysine 531.
Molecular consequence: inframe deletion.
Genome position (GRCh38, 1-based): chrX:154,365,234-154,365,236, CTT deleted on the plus strand (AAG on the coding strand, the reverse complement: FLNA is on the minus strand); deleting any 3 consecutive bases within chrX:154,365,234-154,365,238 gives the same sequence; the c. name uses the placement nearest the transcript's 3' end. VCF-style (leftmost placement, unchanged base first): chrX-154365233-CCTT-C. GRCh37 (hg19) VCF-style: chrX-153593601-CCTT-C.
Other names: c.1591_1593del, p.Lys531del (NM_001456.4); short protein forms K531del.
Identifiers: ClinVar variation 3763600 (VCV003763600.4).

ClinVar aggregate classification (germline): Uncertain significance. Review status: criteria provided, multiple submitters, no conflicts (2 of 4 stars). 2 submissions from 2 submitters: Uncertain significance (2). Last evaluated 2024-10-25.

Conditions:
Oto-palato-digital syndrome, type II (OPD2). Also called: Otopalatodigital Syndrome Type 2 (FLNA-OPD2); FACIOPALATOOSSEOUS SYNDROME; OPD II SYNDROME; Otopalatodigital Syndrome, Type II. Identifiers: Orphanet 669, Orphanet 90652, MedGen C1844696, MONDO:0010571, OMIM 304120.
Heterotopia, periventricular, X-linked dominant (PVNH1). Also called: PERIVENTRICULAR NODULAR HETEROTOPIA 4; HETEROTOPIA, PERIVENTRICULAR, 1; X-linked periventricular heterotopia; PERIVENTRICULAR NODULAR HETEROTOPIA 1. Identifiers: Orphanet 2149, Orphanet 82004, MedGen C1848213, MONDO:0010233, OMIM 300049.
Melnick-Needles syndrome (MNS). Also called: Melnick-Needles Syndrome (FLNA-MNS); MELNICK-NEEDLES OSTEODYSPLASTY; OSTEODYSPLASTY OF MELNICK AND NEEDLES. Identifiers: Orphanet 2484, MedGen C0025237, MONDO:0010650, OMIM 309350.
Frontometaphyseal dysplasia (FMD1). Identifiers: Orphanet 1826, MedGen C0265293, MONDO:0015942.

Submissions (2):

Dasa
Classification: Uncertain significance. Last evaluated: 2024-10-25. Review status: criteria provided, single submitter. Criteria: DASA Assertion Criteria. Collection method: clinical testing. Allele origin: germline.
Comment: NM_001110556.2(FLNA):c.1591_1593del (p.Lys531del) is an in-frame deletion predicted to remove lysine at protein position 531 without shifting the reading frame. This variant is absent from population databases. The currently available literature and clinical evidence are not sufficient to establish a definitive association between this variant and the reported condition. Therefore, this variant is classified as a variant of uncertain significance.

Labcorp Genetics (formerly Invitae), Labcorp
Classification: Uncertain significance for Oto-palato-digital syndrome, type II; Heterotopia, periventricular, X-linked dominant; Frontometaphyseal dysplasia; Melnick-Needles syndrome. Last evaluated: 2024-10-09. Review status: criteria provided, single submitter. Criteria: Invitae Variant Classification Sherloc (09022015). Collection method: clinical testing. Allele origin: germline.
Comment: This variant, c.1591_1593del, results in the deletion of 1 amino acid(s) of the FLNA protein (p.Lys531del), but otherwise preserves the integrity of the reading frame. This variant is not present in population databases (gnomAD no frequency). This variant has not been reported in the literature in individuals affected with FLNA-related conditions. Experimental studies and prediction algorithms are not available or were not evaluated, and the functional significance of this variant is currently unknown. In summary, the available evidence is currently insufficient to determine the role of this variant in disease. Therefore, it has been classified as a Variant of Uncertain Significance.